The following is an entry in ClinVar:

NM_015404.4(WHRN):c.1534G>A (p.Gly512Arg)

Gene: WHRN (whirlin; minus strand). Cytogenetic location: 9q32.
Variant type: single nucleotide variant.
Coding change: c.1534G>A on transcript NM_015404.4 (MANE Select); coding-DNA position 1534, G replaced by A.
Protein change: p.Gly512Arg; replaces glycine 512 with arginine.
Molecular consequence: missense variant.
Genome position (GRCh38, 1-based): chr9:114,423,406, C>T on the plus strand (G>A on the coding strand, the complement: WHRN is on the minus strand). VCF-style: chr9-114423406-C-T. GRCh37 (hg19) VCF-style: chr9-117185686-C-T.
Other names: c.385G>A, p.Gly129Arg (NM_001083885.3); c.1534G>A, p.Gly512Arg (NM_001173425.2); c.481G>A, p.Gly161Arg (NM_001346890.1); short protein forms G161R, G512R, G129R.
Identifiers: ClinVar variation 968856 (VCV000968856.12), dbSNP rs368452983, ClinGen allele CA5205917.

ClinVar aggregate classification (germline): Uncertain significance. Review status: criteria provided, multiple submitters, no conflicts (2 of 4 stars). 3 submissions from 3 submitters: Uncertain significance (3). Last evaluated 2024-07-09.

Allele frequency attached by ClinVar (database versions not stated): gnomAD 0.00001 and 0.00002; TOPMed 0.00001; ESP Exome Variant Server 0.00008.
gnomAD v4.1: 28 of 1,613,948 alleles (0.0017%); highest among the groups gnomAD compares: South Asian, 0.0099%; 1 homozygote.

Submissions (3):

Blueprint Genetics
Classification: Uncertain significance. Last evaluated: 2024-07-09. Review status: criteria provided, single submitter. Criteria: ACMG Guidelines, 2015. Collection method: clinical testing. Allele origin: germline.

Labcorp Genetics (formerly Invitae), Labcorp
Classification: Uncertain significance. Last evaluated: 2023-08-04. Review status: criteria provided, single submitter. Criteria: Invitae Variant Classification Sherloc (09022015). Collection method: clinical testing. Allele origin: germline.
Comment: ClinVar contains an entry for this variant (Variation ID: 968856). An algorithm developed to predict the effect of missense changes on protein structure and function (PolyPhen-2) suggests that this variant is likely to be tolerated. In summary, the available evidence is currently insufficient to determine the role of this variant in disease. Therefore, it has been classified as a Variant of Uncertain Significance. This variant has not been reported in the literature in individuals affected with WHRN-related conditions. This sequence change replaces glycine, which is neutral and non-polar, with arginine, which is basic and polar, at codon 512 of the WHRN protein (p.Gly512Arg). This variant is present in population databases (rs368452983, gnomAD 0.02%), including at least one homozygous and/or hemizygous individual.

Breakthrough Genomics
Classification: Uncertain significance. Review status: criteria provided, single submitter. Criteria: ACMG Guidelines, 2015. Collection method: not provided. Allele origin: germline. Inheritance: Autosomal recessive inheritance. Affected: yes.